The following is an entry in ClinVar:

ClinVar aggregate classification (germline): Pathogenic (1 of 4 stars; one submission).

Conditions:
Cutis laxa, autosomal dominant 3 (ADCL3). Identifiers: Orphanet 90348, MedGen C4225268, MONDO:0014706, OMIM 616603.
Autosomal dominant spastic paraplegia type 9. Identifiers: MedGen C1832669, MONDO:0015091.
de Barsy syndrome. Also called: Cutis laxa-corneal clouding-oligophrenia syndrome. Identifiers: Orphanet 2962, MedGen C0268354, MONDO:0017569.

Submission:

Labcorp Genetics (formerly Invitae), Labcorp
Classification: Pathogenic for Autosomal dominant spastic paraplegia type 9; de Barsy syndrome; Cutis laxa, autosomal dominant 3. Last evaluated: 2022-10-22. Review status: criteria provided, single submitter. Criteria: Invitae Variant Classification Sherloc (09022015). Collection method: clinical testing. Allele origin: germline.
Comment: For these reasons, this variant has been classified as Pathogenic. This variant has not been reported in the literature in individuals affected with ALDH18A1-related conditions. This variant is not present in population databases (gnomAD no frequency). This sequence change creates a premature translational stop signal (p.Met113Ilefs*3) in the ALDH18A1 gene. It is expected to result in an absent or disrupted protein product. Loss-of-function variants in ALDH18A1 are known to be pathogenic (PMID: 21739576, 24913064, 28567303, 28604674, 29915212).

Literature cited by the submitters: PubMed 21739576; PubMed 24913064; PubMed 28567303; PubMed 28604674; PubMed 29915212.

NM_002860.4(ALDH18A1):c.339del (p.Met113fs)

Gene: ALDH18A1 (aldehyde dehydrogenase 18 family member A1; minus strand). Cytogenetic location: 10q24.1.
Variant type: Deletion.
Coding change: c.339del on transcript NM_002860.4 (MANE Select); coding-DNA position 339, one base deleted (G; older notation c.339delG).
Protein change: p.Met113fs; shifts the reading frame from methionine 113.
Molecular consequence: frameshift variant. On other transcripts: intron variant (1).
Genome position (GRCh38, 1-based): chr10:95,637,401, C deleted on the plus strand (G on the coding strand, the reverse complement: ALDH18A1 is on the minus strand). VCF-style (leftmost placement, unchanged base first): chr10-95637400-GC-G. GRCh37 (hg19) VCF-style: chr10-97397157-GC-G.
Other names: c.339del, p.Met113fs (NM_001017423.2, NM_001323413.2, NM_001323414.2 and 2 more transcripts); c.6del, p.Met2fs (NM_001323412.2, NM_001323416.2, NM_001323418.2); c.-78-3752del (NM_001323419.2); short protein forms M2fs, M113fs.
Identifiers: ClinVar variation 2940959 (VCV002940959.3), dbSNP rs2526900150, ClinGen allele CA2740093490.
Genomic context (GRCh38, chr10:95,637,400, plus strand): 5'-ACAGAAGGATCTCATGGCGCAAGCGTTGTTTGCCAAAGGCTACGGCTCCACTGGTCACCA[GC>G]ATCATCTCTCTGCCCTGATTCTGCAGCACTGATACCTGGGCATTGAGAAAGGAAAGGGGA-3'